The following is an entry in ClinVar:

NM_001013838.3(CARMIL2):c.1509G>A (p.Glu503=)

Gene: CARMIL2 (capping protein regulator and myosin 1 linker 2; plus strand). Cytogenetic location: 16q22.1.
Variant type: single nucleotide variant.
Coding change: c.1509G>A on transcript NM_001013838.3 (MANE Select); coding-DNA position 1509, G replaced by A.
Protein change: p.Glu503=; no amino-acid change (glutamic acid 503 retained).
Molecular consequence: synonymous variant.
Genome position (GRCh38, 1-based): chr16:67,648,754, G>A. VCF-style: chr16-67648754-G-A. GRCh37 (hg19) VCF-style: chr16-67682657-G-A.
Other names: c.1401G>A, p.Glu467= (NM_001317026.3).
Identifiers: ClinVar variation 1916675 (VCV001916675.4), dbSNP rs1216656359, ClinGen allele CA496086412.

ClinVar aggregate classification (germline): Uncertain significance (1 of 4 stars; one submission).

Submission:

Labcorp Genetics (formerly Invitae), Labcorp
Classification: Uncertain significance. Last evaluated: 2021-12-25. Review status: criteria provided, single submitter. Criteria: Invitae Variant Classification Sherloc (09022015). Collection method: clinical testing. Allele origin: germline.
Comment: This sequence change affects codon 503 of the CARMIL2 mRNA. It is a 'silent' change, meaning that it does not change the encoded amino acid sequence of the CARMIL2 protein. This variant also falls at the last nucleotide of exon 16, which is part of the consensus splice site for this exon. This variant is not present in population databases (gnomAD no frequency). This variant has not been reported in the literature in individuals affected with CARMIL2-related conditions. Variants that disrupt the consensus splice site are a relatively common cause of aberrant splicing (PMID: 17576681, 9536098). Algorithms developed to predict the effect of sequence changes on RNA splicing suggest that this variant may disrupt the consensus splice site. In summary, the available evidence is currently insufficient to determine the role of this variant in disease. Therefore, it has been classified as a Variant of Uncertain Significance.

Literature cited by the submitters: PubMed 17576681; PubMed 9536098.